The following is an entry in ClinVar:

NM_000368.5(TSC1):c.2940A>G (p.Glu980=)

Gene: TSC1 (TSC complex subunit 1; minus strand). Cytogenetic location: 9q34.13.
Variant type: single nucleotide variant.
Coding change: c.2940A>G on transcript NM_000368.5 (MANE Select); coding-DNA position 2940, A replaced by G.
Protein change: p.Glu980=; no amino-acid change (glutamic acid 980 retained).
Molecular consequence: synonymous variant.
Genome position (GRCh38, 1-based): chr9:132,897,219, T>C on the plus strand (A>G on the coding strand, the complement: TSC1 is on the minus strand). VCF-style: chr9-132897219-T-C. GRCh37 (hg19) VCF-style: chr9-135772606-T-C.
Other names: c.2937A>G, p.Glu979= (NM_001162426.2); c.2787A>G, p.Glu929= (NM_001162427.2); c.2577A>G, p.Glu859= (NM_001362177.2).
Identifiers: ClinVar variation 534518 (VCV000534518.14), dbSNP rs557674294, ClinGen allele CA200926374.

ClinVar aggregate classification (germline): Benign/Likely benign. Review status: criteria provided, multiple submitters, no conflicts (2 of 4 stars). 3 submissions from 3 submitters: Benign (1); Likely benign (2). Last evaluated 2025-11-22.

Conditions:
Hereditary cancer-predisposing syndrome. Also called: Neoplastic Syndromes, Hereditary; Hereditary neoplastic syndrome; Tumor predisposition; Hereditary Cancer Syndrome. Identifiers: Orphanet 140162, MedGen C0027672, MeSH D009386, MONDO:0015356.
Tuberous sclerosis 1 (TSC1). Identifiers: Orphanet 805, MedGen C1854465, MONDO:0008612, OMIM 191100.

Allele frequency attached by ClinVar (database versions not stated): TOPMed below 0.00001; gnomAD 0.00001 and 0.00004.
gnomAD v4.1: 8 of 1,614,200 alleles (0.0005%); highest among the groups gnomAD compares: African/African-American, 0.0093%; no homozygotes.

Submissions (3):

Labcorp Genetics (formerly Invitae), Labcorp
Classification: Likely benign for Tuberous sclerosis 1. Last evaluated: 2025-11-22. Review status: criteria provided, single submitter. Criteria: Invitae Variant Classification Sherloc (09022015). Collection method: clinical testing. Allele origin: germline.

Myriad Genetics, Inc.
Classification: Benign for Tuberous sclerosis 1. Last evaluated: 2025-04-29. Review status: criteria provided, single submitter. Criteria: Myriad Autosomal Dominant, Autosomal Recessive and X-Linked Classification Criteria (2023). Collection method: clinical testing. Allele origin: unknown.
Comment: This variant is considered benign. This variant is a silent/synonymous amino acid change and it is not expected to impact splicing.

Ambry Genetics
Classification: Likely benign for Hereditary cancer-predisposing syndrome. Last evaluated: 2023-02-15. Review status: criteria provided, single submitter. Criteria: Ambry Variant Classification Scheme 2023. Collection method: clinical testing. Allele origin: germline.